The following is an entry in ClinVar:

ClinVar aggregate classification (germline): Pathogenic (1 of 4 stars; one submission).

Conditions:
Alagille syndrome due to a JAG1 point mutation. Also called: JAG1-Related Alagille Syndrome; HEPATIC DUCTULAR HYPOPLASIA, SYNDROMATIC; Alagille Syndrome 1. Identifiers: Orphanet 261619, Orphanet 52, MedGen C1956125, MONDO:0016862, OMIM 118450.

Submission:

Labcorp Genetics (formerly Invitae), Labcorp
Classification: Pathogenic for Alagille syndrome due to a JAG1 point mutation. Last evaluated: 2016-10-18. Review status: criteria provided, single submitter. Criteria: Invitae Variant Classification Sherloc (09022015). Collection method: clinical testing. Allele origin: germline.
Comment: Loss-of-function variants in JAG1 are known to be pathogenic (PMID: 11180599, 12497640). A different variant causing the same protein effect has been reported in the literature in an individual with Alagille syndrome (PMID: 16575836). This sequence change creates a premature translational stop signal at codon 948 (p.Cys948*) of the JAG1 gene. It is expected to result in an absent or disrupted protein product. For these reasons, this variant has been classified as Pathogenic.

Literature cited by the submitters: PubMed 11180599; PubMed 12497640; PubMed 16575836.

NM_000214.3(JAG1):c.2844C>A (p.Cys948Ter)

Gene: JAG1 (jagged canonical Notch ligand 1; minus strand). Cytogenetic location: 20p12.2.
Variant type: single nucleotide variant.
Coding change: c.2844C>A on transcript NM_000214.3 (MANE Select); coding-DNA position 2844, C replaced by A.
Protein change: p.Cys948Ter; replaces cysteine 948 with a stop codon.
Molecular consequence: nonsense.
Genome position (GRCh38, 1-based): chr20:10,641,532, G>T on the plus strand (C>A on the coding strand, the complement: JAG1 is on the minus strand). VCF-style: chr20-10641532-G-T. GRCh37 (hg19) VCF-style: chr20-10622180-G-T.
Other names: c.2844C>A, p.Cys948Ter (LRG_1191t1); short protein forms C948*.
Identifiers: ClinVar variation 406874 (VCV000406874.9), dbSNP rs1060501352, ClinGen allele CA16616233.
Genomic context (GRCh38, chr20:10,641,532, plus strand): 5'-CTCCTTGTTAAAGGTAAATGTGATGTTCGCACAGTTATCCTGGTAATAGGAGTCAGAGGT[G>T]CACTTTGTCTTCACCGGCTGGAGACTGGAAGACCGACACTCGCCCACACCAGTGCAGGGG-3'